The following is an entry in ClinVar:

ClinVar aggregate classification (germline): Uncertain significance (1 of 4 stars; one submission).

Conditions:
Frasier syndrome. Identifiers: Orphanet 347, MedGen C0950122, MeSH D052159, MONDO:0007635, OMIM 136680.
Wilms tumor 1 (WT1). Also called: Wilms tumor, somatic. Identifiers: Orphanet 654, MedGen CN033288, MONDO:0008679, OMIM 194070.
11p partial monosomy syndrome (WAGR). Also called: CHROMOSOME 11p13 DELETION SYNDROME; WAGR Complex; WAGR syndrome; WAGR Spectrum Disorder. Identifiers: Orphanet 893, MedGen C0206115, MONDO:0008681, OMIM 194072.
Drash syndrome (DDS). Also called: WILMS TUMOR AND PSEUDO- OR TRUE HERMAPHRODITISM; NEPHROPATHY, WILMS TUMOR, AND GENITAL ANOMALIES. Identifiers: Orphanet 220, MedGen C0950121, MONDO:0008682, OMIM 194080.

Submission:

Labcorp Genetics (formerly Invitae), Labcorp
Classification: Uncertain significance for Wilms tumor 1; Drash syndrome; 11p partial monosomy syndrome; Frasier syndrome. Last evaluated: 2022-11-14. Review status: criteria provided, single submitter. Criteria: Invitae Variant Classification Sherloc (09022015). Collection method: clinical testing. Allele origin: germline.
Comment: This sequence change replaces valine, which is neutral and non-polar, with isoleucine, which is neutral and non-polar, at codon 33 of the WT1 protein (p.Val33Ile). This variant is not present in population databases (gnomAD no frequency). This variant has not been reported in the literature in individuals affected with WT1-related conditions. Algorithms developed to predict the effect of missense changes on protein structure and function output the following: SIFT: "Deleterious"; PolyPhen-2: "Benign"; Align-GVGD: "Class C0". The isoleucine amino acid residue is found in multiple mammalian species, which suggests that this missense change does not adversely affect protein function. In summary, the available evidence is currently insufficient to determine the role of this variant in disease. Therefore, it has been classified as a Variant of Uncertain Significance.

NM_024426.6(WT1):c.112G>A (p.Val38Ile)

Genes: WT1 (WT1 transcription factor; minus strand), LOC107982234 (WT1/WT1-AS bi-directional promoter region; plus strand). Cytogenetic location: 11p13.
Variant type: single nucleotide variant.
Coding change: c.112G>A on transcript NM_024426.6 (MANE Select); coding-DNA position 112, G replaced by A.
Protein change: p.Val38Ile; replaces valine 38 with isoleucine.
Molecular consequence: missense variant. On other transcripts: non-coding transcript variant (1).
Genome position (GRCh38, 1-based): chr11:32,435,249, C>T on the plus strand (G>A on the coding strand, the complement: WT1 is on the minus strand). VCF-style: chr11-32435249-C-T. GRCh37 (hg19) VCF-style: chr11-32456795-C-T.
Other names: c.112G>A, p.Val38Ile (NM_000378.6, NM_001407044.1, NM_001407045.1 and 6 more transcripts); c.97G>A, p.Val33Ile (NM_024425.2); short protein forms V38I, V33I.
Identifiers: ClinVar variation 2188226 (VCV002188226.4), dbSNP rs1229949294, ClinGen allele CA379966358.
Genomic context (GRCh38, chr11:32,435,249, plus strand): 5'-GACGTTCAGCGCTGGCCTCGGCGGCGCCTAACTTGGCCCAGATGCCGCCCGGGTCCCGGA[C>T]TCCCTGCTGCTCTGGCTGCTGTAGGCACCCAGGCCCGGAGCGGAGCGTGTGCTGAGACGC-3'
Protein context (NP_077744.4, residues 28-48): GCLQQPEQQG[Val38Ile]RDPGGIWAKL